The following is an entry in ClinVar:

NM_001018005.2(TPM1):c.318G>A (p.Leu106=)

Gene: TPM1 (tropomyosin 1; plus strand). Cytogenetic location: 15q22.2.
Variant type: single nucleotide variant.
Coding change: c.318G>A on transcript NM_001018005.2 (MANE Select); coding-DNA position 318, G replaced by A.
Protein change: p.Leu106=; no amino-acid change (leucine 106 retained).
Molecular consequence: synonymous variant. On other transcripts: non-coding transcript variant (17).
Genome position (GRCh38, 1-based): chr15:63,057,062, G>A. VCF-style: chr15-63057062-G-A. GRCh37 (hg19) VCF-style: chr15-63349261-G-A.
Other names: c.318G>A, p.Leu106= (NM_000366.6, NM_001018004.2, NM_001018006.2 and 20 more transcripts); c.210G>A, p.Leu70= (NM_001018008.2, NM_001301289.2, NM_001330344.2 and 9 more transcripts); c.444G>A, p.Leu148= (NM_001365778.1, NM_001407322.1, NM_001407323.1 and 1 more transcripts).
Identifiers: ClinVar variation 3074931 (VCV003074931.1), dbSNP rs1449770307, ClinGen allele CA490692917.

ClinVar aggregate classification (germline): Likely benign (1 of 4 stars; one submission).

Conditions:
Hypertrophic cardiomyopathy. Also called: HYPERTROPHIC MYOCARDIOPATHY. Identifiers: Orphanet 217569, MedGen C0007194, MeSH D002312, MONDO:0005045, HP:0001639.

Allele frequency attached by ClinVar (database versions not stated): gnomAD exomes below 0.00001.
gnomAD v4.1: 1 of 1,614,216 alleles (0.000062%); highest among the groups gnomAD compares: Non-Finnish European, 0.000085%; no homozygotes.

Submission:

All of Us Research Program, National Institutes of Health
Classification: Likely benign for Hypertrophic cardiomyopathy. Last evaluated: 2023-12-13. Review status: criteria provided, single submitter. Criteria: ACMG Guidelines, 2015. Collection method: clinical testing. Allele origin: germline. Inheritance: Autosomal dominant inheritance. Observed: 1 variant allele, 1 heterozygote.
Comment: This study involves interpretation of variants in research participants for the purpose of population health screening. Participant phenotype was not available at the time of variant classification. Additional details can be found in publication PMID: 35346344, PMCID: PMC8962531